The following is an entry in ClinVar:

NM_001378477.3(NYX):c.1007A>C (p.Asp336Ala)

Gene: NYX (nyctalopin; plus strand). Cytogenetic location: Xp11.4.
Variant type: single nucleotide variant.
Coding change: c.1007A>C on transcript NM_001378477.3 (MANE Select); coding-DNA position 1007, A replaced by C.
Protein change: p.Asp336Ala; replaces aspartic acid 336 with alanine.
Molecular consequence: missense variant.
Genome position (GRCh38, 1-based): chrX:41,474,475, A>C. VCF-style: chrX-41474475-A-C. GRCh37 (hg19) VCF-style: chrX-41333728-A-C.
Other names: c.1007A>C, p.Asp336Ala (NM_022567.3); short protein forms D336A.
Identifiers: ClinVar variation 4281202 (VCV004281202.8).

ClinVar aggregate classification (germline): Conflicting classifications of pathogenicity. Review status: criteria provided, conflicting classifications (1 of 4 stars). 2 submissions from 2 submitters: Likely pathogenic (1); Uncertain significance (1). Last evaluated 2025-09-01.

Conditions:
NYX-related disorder. Also called: NYX-related condition.

Submissions (2):

CeGaT Center for Human Genetics Tuebingen
Classification: Uncertain significance. Last evaluated: 2025-09-01. Review status: criteria provided, single submitter. Criteria: CeGaT Center For Human Genetics Tuebingen Variant Classification Criteria Version 2. Collection method: clinical testing. Allele origin: germline. Affected: yes. Observed: 1 variant allele.
Comment: NYX: PM2, PS4:Moderate, PP4

Blueprint Genetics
Classification: Likely pathogenic for NYX-related disorders. Last evaluated: 2023-06-01. Review status: criteria provided, single submitter. Criteria: ACMG Guidelines, 2015. Collection method: clinical testing. Allele origin: germline. Affected: yes. Observed: 4 variant alleles.